The following is an entry in ClinVar:

NM_001204.7(BMPR2):c.727G>A (p.Glu243Lys)

Gene: BMPR2 (bone morphogenetic protein receptor type 2; plus strand). Cytogenetic location: 2q33.2.
Variant type: single nucleotide variant.
Coding change: c.727G>A on transcript NM_001204.7 (MANE Select); coding-DNA position 727, G replaced by A.
Protein change: p.Glu243Lys; replaces glutamic acid 243 with lysine.
Molecular consequence: missense variant.
Genome position (GRCh38, 1-based): chr2:202,518,927, G>A. VCF-style: chr2-202518927-G-A. GRCh37 (hg19) VCF-style: chr2-203383650-G-A.
Other names: c.727G>A (LRG_712t1); short protein forms E243K.
Identifiers: ClinVar variation 425817 (VCV000425817.2), dbSNP rs1085307254, ClinGen allele CA350340374.
Genomic context (GRCh38, chr2:202,518,927, plus strand): 5'-GATGAGCGTCCAGTTGCTGTAAAAGTGTTTTCCTTTGCAAACCGTCAGAATTTTATCAAC[G>A]AAAAGAACATTTACAGAGTGCCTTTGATGGAACATGACAACATTGCCCGCTTTATAGTTG-3'
Protein context (NP_001195.2, residues 233-253): SFANRQNFIN[Glu243Lys]KNIYRVPLME

ClinVar aggregate classification (germline): Uncertain significance. Review status: criteria provided, single submitter (1 of 4 stars). 2 submissions from 2 submitters: Uncertain significance (1). 1 of the submissions does not count toward it. Last evaluated 2025-11-24.

Conditions:
Primary pulmonary hypertension. Also called: Idiopathic pulmonary hypertension. Identifiers: MedGen C0152171.
Pulmonary hypertension, primary, 1 (PPH1). Also called: Pulmonary hypertension, familial primary, 1, with or without HHT. Identifiers: Orphanet 422, MedGen C4552070, MONDO:0024533, OMIM 178600.

Submissions (2):

Labcorp Genetics (formerly Invitae), Labcorp
Classification: Uncertain significance for Primary pulmonary hypertension. Last evaluated: 2025-11-24. Review status: criteria provided, single submitter. Criteria: Invitae Variant Classification Sherloc (09022015). Collection method: clinical testing. Allele origin: germline.
Comment: This sequence change replaces glutamic acid, which is acidic and polar, with lysine, which is basic and polar, at codon 243 of the BMPR2 protein (p.Glu243Lys). This variant is not present in population databases (gnomAD no frequency). This missense change has been observed in individual(s) with pulmonary arterial hypertension (PMID: 20002458). ClinVar contains an entry for this variant (Variation ID: 425817). Invitae Evidence Modeling of protein sequence and biophysical properties (such as structural, functional, and spatial information, amino acid conservation, physicochemical variation, residue mobility, and thermodynamic stability) indicates that this missense variant is expected to disrupt BMPR2 protein function with a positive predictive value of 95%. This variant disrupts the p.Glu243 amino acid residue in BMPR2. Other variant(s) that disrupt this residue have been observed in individuals with BMPR2-related conditions (PMID: 22632830), which suggests that this may be a clinically significant amino acid residue. In summary, the available evidence is currently insufficient to determine the role of this variant in disease. Therefore, it has been classified as a Variant of Uncertain Significance.

Rare Disease Genomics Group, St George's University of London
Classification: Pathogenic for Primary pulmonary hypertension. Review status: no assertion criteria provided. Collection method: literature only. Allele origin: germline. Affected: yes. Not counted in ClinVar's aggregate classification.

Literature cited by the submitters: PubMed 20002458 (cited by Labcorp Genetics (formerly Invitae), Labcorp and Rare Disease Genomics Group, St George's University of London); PubMed 22632830 (cited by Labcorp Genetics (formerly Invitae), Labcorp).